The following is an entry in ClinVar:

NM_000051.4(ATM):c.8151+2T>C

Genes: ATM (ATM serine/threonine kinase; plus strand), C11orf65 (chromosome 11 open reading frame 65; minus strand). Cytogenetic location: 11q22.3.
Variant type: single nucleotide variant.
Coding change: c.8151+2T>C on transcript NM_000051.4 (MANE Select); the canonical splice donor site of the intron after coding-DNA position 8151, T replaced by C.
Molecular consequence: splice donor variant. On other transcripts: intron variant (2).
Genome position (GRCh38, 1-based): chr11:108,335,111, T>C. VCF-style: chr11-108335111-T-C. GRCh37 (hg19) VCF-style: chr11-108205838-T-C.
Other names: c.8151+2T>C (NM_001351834.2); c.641-26040A>G (NM_001330368.2); c.*38+109A>G (NM_001351110.2).
Identifiers: ClinVar variation 1459066 (VCV001459066.7), dbSNP rs2136665852, ClinGen allele CA382562278.

ClinVar aggregate classification (germline): Conflicting classifications of pathogenicity. Review status: criteria provided, conflicting classifications (1 of 4 stars). 2 submissions from 2 submitters: Pathogenic (1); Uncertain significance (1). Last evaluated 2024-10-11.

Conditions:
Hereditary cancer-predisposing syndrome. Also called: Neoplastic Syndromes, Hereditary; Tumor predisposition; Hereditary Cancer Syndrome; Hereditary neoplastic syndrome. Identifiers: Orphanet 140162, MedGen C0027672, MeSH D009386, MONDO:0015356.
Ataxia-telangiectasia syndrome (AT). Also called: LOUIS-BAR SYNDROME; Cerebello-oculocutaneous telangiectasia; Immunodeficiency with ataxia telangiectasia; Ataxia telangiectasia (A-T); Ataxia-telangiectasia, complementation group D; AT, COMPLEMENTATION GROUP C. Identifiers: Orphanet 100, MedGen C0004135, MONDO:0008840, OMIM 208900.

Submissions (2):

Ambry Genetics
Classification: Uncertain significance for Hereditary cancer-predisposing syndrome. Last evaluated: 2024-10-11. Review status: criteria provided, single submitter. Criteria: Ambry Variant Classification Scheme 2023. Collection method: clinical testing. Allele origin: germline.
Comment: The c.8151+2T>C intronic variant results from a T to C substitution two nucleotides after coding exon 54 in the ATM gene. This nucleotide position is highly conserved in available vertebrate species. In silico splice site analysis predicts that this alteration will weaken the native splice donor site. Alterations that disrupt the canonical splice site are expected to cause aberrant splicing, resulting in an abnormal protein or a transcript that is subject to nonsense-mediated mRNA decay; however, +2T>C alterations are capable of generating wild-type transcripts in some genomic contexts and should be interpreted with caution (Lin JH et al. Hum Mutat. 2019 10;40:1856-1873). Based on the available evidence, the clinical significance of this alteration remains unclear.

Labcorp Genetics (formerly Invitae), Labcorp
Classification: Pathogenic for Ataxia-telangiectasia syndrome. Last evaluated: 2022-06-22. Review status: criteria provided, single submitter. Criteria: Invitae Variant Classification Sherloc (09022015). Collection method: clinical testing. Allele origin: germline.
Comment: For these reasons, this variant has been classified as Pathogenic. This variant disrupts a region of the ATM protein in which other variant(s) (p.Asp2708Asn) have been determined to be pathogenic (PMID: 16941484, 21665257, 21792198, 22071889, 23454770, 23632773, 27913932, 29909963). This suggests that this is a clinically significant region of the protein, and that variants that disrupt it are likely to be disease-causing. Studies have shown that disruption of this splice site results in skipping of exon 55, but is expected to preserve the integrity of the reading-frame (Invitae). This variant has not been reported in the literature in individuals affected with ATM-related conditions. This variant is not present in population databases (gnomAD no frequency). This sequence change affects a donor splice site in intron 55 of the ATM gene. RNA analysis indicates that disruption of this splice site induces altered splicing and likely results in a shortened protein product.

Literature cited by the submitters: PubMed 16941484 (cited by Labcorp Genetics (formerly Invitae), Labcorp); PubMed 21665257 (cited by Labcorp Genetics (formerly Invitae), Labcorp); PubMed 21792198 (cited by Labcorp Genetics (formerly Invitae), Labcorp); PubMed 22071889 (cited by Labcorp Genetics (formerly Invitae), Labcorp); PubMed 23454770 (cited by Labcorp Genetics (formerly Invitae), Labcorp); PubMed 23632773 (cited by Labcorp Genetics (formerly Invitae), Labcorp); PubMed 27913932 (cited by Labcorp Genetics (formerly Invitae), Labcorp); PubMed 29909963 (cited by Labcorp Genetics (formerly Invitae), Labcorp).